The following is an entry in ClinVar:

ClinVar aggregate classification (germline): Pathogenic (1 of 4 stars; one submission).

Submission:

Labcorp Genetics (formerly Invitae), Labcorp
Classification: Pathogenic. Last evaluated: 2024-02-07. Review status: criteria provided, single submitter. Criteria: Invitae Variant Classification Sherloc (09022015). Collection method: clinical testing. Allele origin: germline.
Comment: This sequence change creates a premature translational stop signal (p.Gln726Thrfs*28) in the TET2 gene. It is expected to result in an absent or disrupted protein product. Loss-of-function variants in TET2 are known to be pathogenic (PMID: 36066697). This variant is not present in population databases (gnomAD no frequency). This variant has not been reported in the literature in individuals affected with TET2-related conditions. For these reasons, this variant has been classified as Pathogenic.

Literature cited by the submitters: PubMed 36066697.

NM_001127208.3(TET2):c.2175dup (p.Gln726fs)

Genes: TET2 (tet methylcytosine dioxygenase 2; plus strand), TET2-AS1 (TET2 antisense RNA 1; minus strand). Cytogenetic location: 4q24.
Variant type: Duplication.
Coding change: c.2175dup on transcript NM_001127208.3 (MANE Select); coding-DNA position 2175, one base duplicated (A; older notation c.2175dupA).
Protein change: p.Gln726fs; shifts the reading frame from glutamine 726.
Molecular consequence: frameshift variant.
Genome position (GRCh38, 1-based): chr4:105,236,117, A duplicated; the last of 3 consecutive A bases (chr4:105,236,115-105,236,117); duplicating any one gives the same sequence. VCF-style (leftmost placement, unchanged base first): chr4-105236114-T-TA. GRCh37 (hg19) VCF-style: chr4-106157271-T-TA.
Other names: c.2175dup, p.Gln726fs (NM_017628.4); short protein forms Q726fs.
Identifiers: ClinVar variation 3639609 (VCV003639609.2).
Genomic context (GRCh38, chr4:105,236,114, plus strand): 5'-TCAACAGGCTTCAGAGACTGAGCCATTTTCAAACTCACACCTTTTGCAACATAAGCCTCA[T>TA]AAACAGGCAGCACAAACACAACCATCCCAGAGTTCACATCTCCCTCAAAACCAGCAACAG-3'